The following is an entry in ClinVar:

ClinVar aggregate classification (germline): Likely benign (0 of 4 stars; one submission).

Conditions:
LRRC45-related disorder. Also called: LRRC45-related condition.

gnomAD v4.1: 154 of 1,433,280 alleles (0.011%); highest among the groups gnomAD compares: African/African-American, 0.2%; no homozygotes.

Submission:

PreventionGenetics, part of Exact Sciences
Classification: Likely benign for LRRC45-related condition. Last evaluated: 2024-09-11. Review status: no assertion criteria provided. Collection method: clinical testing. Allele origin: germline.
Comment: This variant is classified as likely benign based on ACMG/AMP sequence variant interpretation guidelines (Richards et al. 2015 PMID: 25741868, with internal and published modifications).

NM_144999.4(LRRC45):c.1866C>T (p.Asn622=)

Gene: LRRC45 (leucine rich repeat containing 45; plus strand). Cytogenetic location: 17q25.3.
Variant type: single nucleotide variant.
Coding change: c.1866C>T on transcript NM_144999.4 (MANE Select); coding-DNA position 1866, C replaced by T.
Protein change: p.Asn622=; no amino-acid change (asparagine 622 retained).
Molecular consequence: synonymous variant.
Genome position (GRCh38, 1-based): chr17:82,030,658, C>T. VCF-style: chr17-82030658-C-T. GRCh37 (hg19) VCF-style: chr17-79988534-C-T.
Identifiers: ClinVar variation 3358471 (VCV003358471.1).